The following is an entry in ClinVar:

NM_014704.4(CEP104):c.2749A>G (p.Ser917Gly)

Gene: CEP104 (centrosomal protein 104; minus strand). Cytogenetic location: 1p36.32.
Variant type: single nucleotide variant.
Coding change: c.2749A>G on transcript NM_014704.4 (MANE Select); coding-DNA position 2749, A replaced by G.
Protein change: p.Ser917Gly; replaces serine 917 with glycine.
Molecular consequence: missense variant.
Genome position (GRCh38, 1-based): chr1:3,815,431, T>C on the plus strand (A>G on the coding strand, the complement: CEP104 is on the minus strand). VCF-style: chr1-3815431-T-C. GRCh37 (hg19) VCF-style: chr1-3731995-T-C.
Other names: short protein forms S917G.
Identifiers: ClinVar variation 3142465 (VCV003142465.2), dbSNP rs771769043, ClinGen allele CA551172.
Genomic context (GRCh38, chr1:3,815,431, plus strand): 5'-CTCACAGAGACCAAGGAGCCCGAGCGCCGCGTCAGCGCTTGGCGTACGTCCTGCTGGAGC[T>C]CTTGCTCAGTCCGCCCTTCGGGGTGGGGATCTTGCTTCCGGCCTTTGACCCCAAGGGGCC-3'
Protein context (NP_055519.1, residues 907-925): IPTPKGGLSK[Ser917Gly]SSRTYAKR

ClinVar aggregate classification (germline): Uncertain significance. Review status: criteria provided, multiple submitters, no conflicts (2 of 4 stars). 2 submissions from 2 submitters: Uncertain significance (2). Last evaluated 2024-10-22.

Conditions:
Inborn genetic diseases. Identifiers: MedGen C0950123, MeSH D030342.

Allele frequency attached by ClinVar (database versions not stated): gnomAD exomes below 0.00001; ExAC 0.00001; gnomAD 0.00006; TOPMed 0.00008.
gnomAD v4.1: 16 of 1,613,010 alleles (0.00099%); highest among the groups gnomAD compares: African/African-American, 0.019%; no homozygotes.

Submissions (2):

GeneDx
Classification: Uncertain significance. Last evaluated: 2024-10-22. Review status: criteria provided, single submitter. Criteria: GeneDx Variant Classification Process June 2021. Collection method: clinical testing. Allele origin: germline. Affected: yes.
Comment: Not observed at significant frequency in large population cohorts (gnomAD); In silico analysis indicates that this missense variant does not alter protein structure/function; Has not been previously published as pathogenic or benign to our knowledge

Ambry Genetics
Classification: Uncertain significance for Inborn genetic diseases. Last evaluated: 2023-11-09. Review status: criteria provided, single submitter. Criteria: Ambry Variant Classification Scheme 2023. Collection method: clinical testing. Allele origin: germline.